The following is an entry in ClinVar:

ClinVar aggregate classification (germline): Uncertain significance (1 of 4 stars; one submission).

Conditions:
RYR1-related disorder. Also called: RYR1-related condition; RYR1-related disorders. Identifiers: MedGen CN239331.

Allele frequency attached by ClinVar (database versions not stated): gnomAD exomes below 0.00001.
gnomAD v4.1: 1 of 1,535,396 alleles (0.000065%); highest among the groups gnomAD compares: Non-Finnish European, 0.000088%; no homozygotes.

Submission:

Labcorp Genetics (formerly Invitae), Labcorp
Classification: Uncertain significance for RYR1-related disorder. Last evaluated: 2022-04-12. Review status: criteria provided, single submitter. Criteria: Invitae Variant Classification Sherloc (09022015). Collection method: clinical testing. Allele origin: germline.
Comment: This sequence change replaces glutamic acid, which is acidic and polar, with glutamine, which is neutral and polar, at codon 1375 of the RYR1 protein (p.Glu1375Gln). This variant is present in population databases (no rsID available, gnomAD 0.002%). This variant has not been reported in the literature in individuals affected with RYR1-related conditions. Advanced modeling of protein sequence and biophysical properties (such as structural, functional, and spatial information, amino acid conservation, physicochemical variation, residue mobility, and thermodynamic stability) performed at Invitae indicates that this missense variant is not expected to disrupt RYR1 protein function. In summary, the available evidence is currently insufficient to determine the role of this variant in disease. Therefore, it has been classified as a Variant of Uncertain Significance.

NM_000540.3(RYR1):c.4123G>C (p.Glu1375Gln)

Gene: RYR1 (ryanodine receptor 1; plus strand). Cytogenetic location: 19q13.2.
Variant type: single nucleotide variant.
Coding change: c.4123G>C on transcript NM_000540.3 (MANE Select); coding-DNA position 4123, G replaced by C.
Protein change: p.Glu1375Gln; replaces glutamic acid 1375 with glutamine.
Molecular consequence: missense variant.
Genome position (GRCh38, 1-based): chr19:38,473,734, G>C. VCF-style: chr19-38473734-G-C. GRCh37 (hg19) VCF-style: chr19-38964374-G-C.
Other names: c.4123G>C, p.Glu1375Gln (NM_001042723.2); short protein forms E1375Q.
Identifiers: ClinVar variation 1915516 (VCV001915516.2), dbSNP rs1355907932, ClinGen allele CA405643178.
Genomic context (GRCh38, chr19:38,473,734, plus strand): 5'-GGCGCCCCCGGGGGCACCCCGCAGGCGGGGGGAGAGGCGCAGCCCGCCAGGGCGGAGAAT[G>C]AGAAGGATGCCACCACCGAGAAGAACAAGAAGAGAGGGTGAGTCGAGGGGGGCCCAGAGT-3'
Protein context (NP_000531.2, residues 1365-1385): GEAQPARAEN[Glu1375Gln]KDATTEKNKK